The following is an entry in ClinVar:

ClinVar aggregate classification (germline): Uncertain significance (1 of 4 stars; one submission).

gnomAD v4.1: 3 of 1,562,940 alleles (0.00019%); highest among the groups gnomAD compares: Non-Finnish European, 0.00026%; no homozygotes.

Submission:

Women's Health and Genetics/Laboratory Corporation of America, LabCorp
Classification: Uncertain significance. Last evaluated: 2026-03-13. Review status: criteria provided, single submitter. Criteria: LabCorp Variant Classification Summary - May 2015. Collection method: clinical testing. Allele origin: germline.
Comment: Variant summary: PLA2G6 c.901C>A (p.Arg301Ser) results in a non-conservative amino acid change in the encoded protein sequence. Algorithms developed to predict the effect of missense changes on protein structure and function are either unavailable or do not agree on the potential impact of this missense change. The frequency data for this variant in gnomAD is considered unreliable, as metrics indicate poor data quality at this position. To our knowledge, no occurrence of c.901C>A in individuals affected with PLA2G6-related conditions and no experimental evidence demonstrating its impact on protein function have been reported. No submitters have cited clinical-significance assessments for this variant to ClinVar. Based on the evidence outlined above, the variant was classified as uncertain significance.

NM_003560.4(PLA2G6):c.901C>A (p.Arg301Ser)

Gene: PLA2G6 (phospholipase A2 group VI; minus strand). Cytogenetic location: 22q13.1.
Variant type: single nucleotide variant.
Coding change: c.901C>A on transcript NM_003560.4 (MANE Select); coding-DNA position 901, C replaced by A.
Protein change: p.Arg301Ser; replaces arginine 301 with serine.
Molecular consequence: missense variant.
Genome position (GRCh38, 1-based): chr22:38,133,007, G>T on the plus strand (C>A on the coding strand, the complement: PLA2G6 is on the minus strand). VCF-style: chr22-38133007-G-T. GRCh37 (hg19) VCF-style: chr22-38529014-G-T.
Other names: c.901C>A, p.Arg301Ser (NM_001349866.2, NM_001004426.3, NM_001199562.3 and 2 more transcripts); c.367C>A, p.Arg123Ser (NM_001349867.2, NM_001349869.2); c.223C>A, p.Arg75Ser (NM_001349868.2); short protein forms R123S, R301S, R75S.
Identifiers: ClinVar variation 4847270 (VCV004847270.1).
Genomic context (GRCh38, chr22:38,133,007, plus strand): 5'-GGGCCGTGTTCCCCGCGGAGCTGGTGCTGTTCACGTTGCAGCCCCGTTTCAGCAGCATGC[G>T]GGCCATCTGCGGGAGACGGTCAGGCTGAGTTAGCACAGGCACTCGGGGAGCTGCCGCACC-3'
Protein context (NP_003551.2, residues 291-311): LHWAKNAEMA[Arg301Ser]MLLKRGCNVN